The following is an entry in ClinVar:

NM_001195553.2(DCX):c.839C>A (p.Ala280Asp)

Gene: DCX (doublecortin; minus strand). Cytogenetic location: Xq23.
Variant type: single nucleotide variant.
Coding change: c.839C>A on transcript NM_001195553.2 (MANE Select); coding-DNA position 839, C replaced by A.
Protein change: p.Ala280Asp; replaces alanine 280 with aspartic acid.
Molecular consequence: missense variant.
Genome position (GRCh38, 1-based): chrX:111,331,011, G>T on the plus strand (C>A on the coding strand, the complement: DCX is on the minus strand). VCF-style: chrX-111331011-G-T. GRCh37 (hg19) VCF-style: chrX-110574239-G-T.
Other names: c.1082C>A, p.Ala361Asp (NM_000555.3); c.839C>A, p.Ala280Asp (NM_001369370.1, NM_001369371.1, NM_001369372.1 and 6 more transcripts); short protein forms A280D, A361D.
Identifiers: ClinVar variation 5002290 (VCV005002290.1).

ClinVar aggregate classification (germline): Uncertain significance (1 of 4 stars; one submission).

Conditions:
DCX-related disorder. Also called: DCX-related condition; DCX-Related Disorders. Identifiers: MedGen CN381525.

Submission:

PreventionGenetics, part of Exact Sciences
Classification: Uncertain significance for DCX-related condition. Last evaluated: 2026-01-26. Review status: criteria provided, single submitter. Criteria: ACMG Guidelines, 2015. Collection method: clinical testing. Allele origin: germline.
Comment: The DCX c.1082C>A variant is predicted to result in the amino acid substitution p.Ala361Asp. To our knowledge, this variant has not been reported in the literature or in a large population database (gnomAD), indicating this variant is rare. At this time, the clinical significance of this variant is uncertain due to the absence of conclusive functional and genetic evidence.